The following is an entry in ClinVar:

ClinVar aggregate classification (germline): Uncertain significance (1 of 4 stars; one submission).

Conditions:
Epidermolysis bullosa simplex 5B, with muscular dystrophy (EBS5B). Also called: Epidermolysis bullosa simplex with muscular dystrophy; EPIDERMOLYSIS BULLOSA SIMPLEX AND LIMB-GIRDLE MUSCULAR DYSTROPHY. Identifiers: Orphanet 257, MedGen C2931072, MONDO:0009181, OMIM 226670.
Epidermolysis bullosa simplex, Ogna type (EBS5A). Also called: Pidermolysis bullosa simplex 5A, Ogna type; EPIDERMOLYSIS BULLOSA SIMPLEX 5A, OGNA TYPE. Identifiers: Orphanet 79401, MedGen C0432317, MONDO:0007555, OMIM 131950.
Epidermolysis bullosa simplex 5C, with pyloric atresia (EBS5C). Also called: PLEC-Related Epidermolysis Bullosa with Pyloric Atresia; Epidermolysis bullosa simplex with pyloric atresia; PLEC1-Related Epidermolysis Bullosa with Pyloric Atresia. Identifiers: Orphanet 158684, MedGen C2677349, MONDO:0012807, OMIM 612138.
Autosomal recessive limb-girdle muscular dystrophy type 2Q (LGMDR17). Also called: MUSCULAR DYSTROPHY, LIMB-GIRDLE, AUTOSOMAL RECESSIVE 17. Identifiers: Orphanet 254361, MedGen C3150989, MONDO:0013390, OMIM 613723.
Epidermolysis bullosa simplex with nail dystrophy (EBS5D). Identifiers: MedGen C4225309, MONDO:0014661, OMIM 616487.

gnomAD v4.1: 4 of 1,613,258 alleles (0.00025%); highest among the groups gnomAD compares: Non-Finnish European, 0.00034%; no homozygotes.

Submission:

Labcorp Genetics (formerly Invitae), Labcorp
Classification: Uncertain significance for Autosomal recessive limb-girdle muscular dystrophy type 2Q; Epidermolysis bullosa simplex, Ogna type; Epidermolysis bullosa simplex with nail dystrophy; Epidermolysis bullosa simplex 5C, with pyloric atresia; Epidermolysis bullosa simplex 5B, with muscular dystrophy. Last evaluated: 2022-08-09. Review status: criteria provided, single submitter. Criteria: Invitae Variant Classification Sherloc (09022015). Collection method: clinical testing. Allele origin: germline.
Comment: In summary, the available evidence is currently insufficient to determine the role of this variant in disease. Therefore, it has been classified as a Variant of Uncertain Significance. Algorithms developed to predict the effect of missense changes on protein structure and function are either unavailable or do not agree on the potential impact of this missense change (SIFT: "Tolerated"; PolyPhen-2: "Possibly Damaging"; Align-GVGD: "Class C0"). This sequence change replaces leucine, which is neutral and non-polar, with valine, which is neutral and non-polar, at codon 2449 of the PLEC protein (p.Leu2449Val). This variant is not present in population databases (gnomAD no frequency). This variant has not been reported in the literature in individuals affected with PLEC-related conditions.

NM_201384.3(PLEC):c.7264C>G (p.Leu2422Val)

Gene: PLEC (plectin; minus strand). Cytogenetic location: 8q24.3.
Variant type: single nucleotide variant.
Coding change: c.7264C>G on transcript NM_201384.3 (MANE Select); coding-DNA position 7264, C replaced by G.
Protein change: p.Leu2422Val; replaces leucine 2422 with valine.
Molecular consequence: missense variant.
Genome position (GRCh38, 1-based): chr8:143,922,665, G>C on the plus strand (C>G on the coding strand, the complement: PLEC is on the minus strand). VCF-style: chr8-143922665-G-C. GRCh37 (hg19) VCF-style: chr8-144996833-G-C.
Other names: c.7345C>G, p.Leu2449Val (NM_000445.5); c.7222C>G, p.Leu2408Val (NM_201378.4); c.7198C>G, p.Leu2400Val (NM_201379.3); c.7675C>G, p.Leu2559Val (NM_201380.4); c.7168C>G, p.Leu2390Val (NM_201381.3); c.7264C>G, p.Leu2422Val (NM_201382.4); c.7276C>G, p.Leu2426Val (NM_201383.3); short protein forms L2408V, L2422V, L2449V, L2390V, L2400V, L2426V, L2559V.
Identifiers: ClinVar variation 2014677 (VCV002014677.4), dbSNP rs781946127, ClinGen allele CA372528407.